The following is an entry in ClinVar:

ClinVar aggregate classification (germline): Pathogenic/Likely pathogenic. Review status: criteria provided, multiple submitters, no conflicts (2 of 4 stars). 4 submissions from 4 submitters: Pathogenic (3); Likely pathogenic (1). Last evaluated 2025-04-11.

Conditions:
TYR-related disorder. Also called: TYR-related condition.
Oculocutaneous albinism type 1. Also called: Albinism 1; ALBINISM I. Identifiers: Orphanet 352731, MedGen C0268494, MONDO:0018135. Disease mechanism: loss of function.
Oculocutaneous albinism type 1B (OCA1B). Also called: ALBINISM, OCULOCUTANEOUS, TYPE IB; YELLOW ALBINISM; ALBINISM, YELLOW MUTANT TYPE. Identifiers: Orphanet 352731, Orphanet 352737, Orphanet 79434, MedGen C1847024, MONDO:0011749, OMIM 606952.

Allele frequency attached by ClinVar (database versions not stated): gnomAD exomes below 0.00001.

Submissions (4):

Myriad Genetics, Inc.
Classification: Pathogenic for Oculocutaneous albinism type 1. Last evaluated: 2025-04-11. Review status: criteria provided, single submitter. Criteria: Myriad Autosomal Dominant, Autosomal Recessive and X-Linked Classification Criteria (2023). Collection method: clinical testing. Allele origin: unknown.
Comment: NM_000372.4(TYR):c.1237delG(E413Kfs*72) is a frameshift variant classified as pathogenic in the context of oculocutaneous albinism, TYR-related. E413Kfs*72 has not been observed in cases with relevant disease. Relevant functional assessments of this variant are not available in the literature. E413Kfs*72 has been observed in referenced population frequency databases. In summary, NM_000372.4(TYR):c.1237delG(E413Kfs*72) is a frameshift variant in a gene where loss of function is a known mechanism of disease and is predicted to disrupt protein function. Please note: this variant was assessed in the context of healthy population screening.

Labcorp Genetics (formerly Invitae), Labcorp
Classification: Pathogenic. Last evaluated: 2023-08-18. Review status: criteria provided, single submitter. Criteria: Invitae Variant Classification Sherloc (09022015). Collection method: clinical testing. Allele origin: germline.
Comment: This variant disrupts a region of the TYR protein in which other variant(s) (p.Ala490Cysfs*20) have been determined to be pathogenic (PMID: 1642278, 1711223, 13680365, 18463683). This suggests that this is a clinically significant region of the protein, and that variants that disrupt it are likely to be disease-causing. ClinVar contains an entry for this variant (Variation ID: 1699463). This variant has not been reported in the literature in individuals affected with TYR-related conditions. This variant is present in population databases (no rsID available, gnomAD 0.0009%). This sequence change creates a premature translational stop signal (p.Glu413Lysfs*72) in the TYR gene. While this is not anticipated to result in nonsense mediated decay, it is expected to disrupt the last 117 amino acid(s) of the TYR protein. For these reasons, this variant has been classified as Pathogenic.

Victorian Clinical Genetics Services, Murdoch Childrens Research Institute
Classification: Pathogenic for Oculocutaneous albinism type 1B. Last evaluated: 2022-06-24. Review status: criteria provided, single submitter. Criteria: ACMG Guidelines, 2015. Collection method: clinical testing. Allele origin: germline. Inheritance: Autosomal recessive inheritance. Affected: yes.
Comment: Based on the classification scheme VCGS_Germline_v1.3.4, this variant is classified as Pathogenic. Following criteria are met: 0102 - Loss of function is a known mechanism of disease in this gene and is associated with oculocutaneous albinism type IA (MIM#203100) and type IB (MIM#606952). (I) 0106 - This gene is associated with autosomal recessive disease. (I) 0205 - Variant is predicted to result in a truncated protein (premature termination codon is NOT located at least 54 nucleotides upstream of the final exon-exon junction) with less than 1/3 of the protein sequence affected. (SP) 0251 - This variant is heterozygous. (I) 0304 - Variant is present in gnomAD (v2) <0.01 for a recessive condition (1 heterozygote, 0 homozygotes). (SP) 0604 - Variant is not located in an established domain, motif, hotspot or informative constraint region. (I) 0701 - Other truncated variants comparable to the one identified in this case have very strong previous evidence for pathogenicity (ClinVar). (SP) 0807 - This variant has no previous evidence of pathogenicity. (I) 0905 - No published segregation evidence has been identified for this variant. (I) 1007 - No published functional evidence has been identified for this variant. (I) 1208 - Inheritance information for this variant is not currently available in this individual. (I) Legend: (SP) - Supporting pathogenic, (I) - Information, (SB) - Supporting benign

Blueprint Genetics
Classification: Likely pathogenic for TYR-related disorders. Last evaluated: 2021-04-01. Review status: criteria provided, single submitter. Criteria: ACMG Guidelines, 2015. Collection method: clinical testing. Allele origin: germline. Affected: yes. Observed: 1 variant allele.

Literature cited by the submitters: PubMed 1642278 (cited by Labcorp Genetics (formerly Invitae), Labcorp); PubMed 1711223 (cited by Labcorp Genetics (formerly Invitae), Labcorp); PubMed 13680365 (cited by Labcorp Genetics (formerly Invitae), Labcorp); PubMed 18463683 (cited by Labcorp Genetics (formerly Invitae), Labcorp).

NM_000372.5(TYR):c.1237del (p.Glu413fs)

Gene: TYR (tyrosinase; plus strand). Cytogenetic location: 11q14.3.
Variant type: Deletion.
Coding change: c.1237del on transcript NM_000372.5 (MANE Select); coding-DNA position 1237, one base deleted (G; older notation c.1237delG).
Protein change: p.Glu413fs; shifts the reading frame from glutamic acid 413.
Molecular consequence: frameshift variant.
Genome position (GRCh38, 1-based): chr11:89,284,825, G deleted. VCF-style (leftmost placement, unchanged base first): chr11-89284824-AG-A. GRCh37 (hg19) VCF-style: chr11-89017992-AG-A.
Other names: short protein forms E413fs.
Identifiers: ClinVar variation 1699463 (VCV001699463.8), dbSNP rs1565423615, ClinGen allele CA601003081.